The following is an entry in ClinVar:

NM_000492.4(CFTR):c.1584+675A>G

Genes: CFTR (CF transmembrane conductance regulator; plus strand), CFTR-AS1 (CFTR antisense RNA 1; minus strand). Cytogenetic location: 7q31.2.
Variant type: single nucleotide variant.
Coding change: c.1584+675A>G on transcript NM_000492.4 (MANE Select); 675 bases into the intron after coding-DNA position 1584, A replaced by G.
Molecular consequence: intron variant.
Genome position (GRCh38, 1-based): chr7:117,560,330, A>G. VCF-style: chr7-117560330-A-G. GRCh37 (hg19) VCF-style: chr7-117200384-A-G.
Identifiers: ClinVar variation 3385381 (VCV003385381.3).

ClinVar aggregate classification (germline): Pathogenic (1 of 4 stars; one submission).

Conditions:
Cystic fibrosis (CF). Also called: MUCOVISCIDOSIS. Identifiers: Orphanet 586, MedGen C0010674, MONDO:0009061, OMIM 219700. Disease mechanism: loss of function.

Submission:

Institute of Human Genetics, University of Leipzig Medical Center
Classification: Pathogenic for Cystic fibrosis. Last evaluated: 2024-12-19. Review status: criteria provided, single submitter. Criteria: ACMG Guidelines, 2015. Collection method: clinical testing. Allele origin: unknown. Inheritance: Autosomal recessive inheritance. Affected: yes.
Comment: Criteria applied: PVS1,PM2,PM3,PP4; Identified as compund heterozygous with NM_000492.4:c.1521_1523del